The following is an entry in ClinVar:

ClinVar aggregate classification (germline): Uncertain significance (1 of 4 stars; one submission).

Conditions:
Hearing loss, X-linked 6. Also called: Deafness, X-linked 6. Identifiers: Orphanet 90625, MedGen C3806737, MONDO:0010484, OMIM 300914.

Submission:

Foundation for Research in Genetics and Endocrinology, FRIGE's Institute of Human Genetics
Classification: Uncertain significance for Hearing loss, X-linked 6. Last evaluated: 2025-06-28. Review status: criteria provided, single submitter. Criteria: ACMG Guidelines, 2015. Collection method: clinical testing. Allele origin: germline. Inheritance: X-linked recessive inheritance. Affected: yes. Observed: 1 hemizygote.
Comment: A hemizygous missense variant in exon 39 of the COL4A6 gene that results in the amino acid substitution of Serine for Proline at codon 1278 (p.Pro1278Ser) was detected. The observed variant lies in the 'Collagen triple helix repeat (20 copies)' domain of the COL4A6 protein (PF01391). The variant has not been reported in the 1000 genomes, gnomAD (v3.1) and topmed databases and has a minor allele frequency of 0.00000% in the gnomAD (v2.1) database. The in-silico predictions of the variant is damaging by SIFT. The reference codon is conserved across species. In summary, the variant meets our criteria to be classified as variant of uncertain significance.

NM_033641.4(COL4A6):c.3832C>T (p.Pro1278Ser)

Gene: COL4A6 (collagen type IV alpha 6 chain; minus strand). Cytogenetic location: Xq22.3.
Variant type: single nucleotide variant.
Coding change: c.3832C>T on transcript NM_033641.4 (MANE Select); coding-DNA position 3832, C replaced by T.
Protein change: p.Pro1278Ser; replaces proline 1278 with serine.
Molecular consequence: missense variant.
Genome position (GRCh38, 1-based): chrX:108,165,015, G>A on the plus strand (C>T on the coding strand, the complement: COL4A6 is on the minus strand). VCF-style: chrX-108165015-G-A. GRCh37 (hg19) VCF-style: chrX-107408245-G-A.
Other names: p.Pro1278Ser; c.3883C>T, p.Pro1295Ser (NM_001287758.2); c.3760C>T, p.Pro1254Ser (NM_001287759.2, NM_001287760.2); c.3835C>T, p.Pro1279Ser (NM_001847.4); short protein forms P1295S, P1278S, P1254S, P1279S.
Identifiers: ClinVar variation 4056303 (VCV004056303.1).